The following is an entry in ClinVar:

NM_004795.4(KL):c.2548T>C (p.Trp850Arg)

Gene: KL (klotho; plus strand). Cytogenetic location: 13q13.1.
Variant type: single nucleotide variant.
Coding change: c.2548T>C on transcript NM_004795.4 (MANE Select); coding-DNA position 2548, T replaced by C.
Protein change: p.Trp850Arg; replaces tryptophan 850 with arginine.
Molecular consequence: missense variant.
Genome position (GRCh38, 1-based): chr13:33,061,627, T>C. VCF-style: chr13-33061627-T-C. GRCh37 (hg19) VCF-style: chr13-33635764-T-C.
Other names: short protein forms W850R.
Identifiers: ClinVar variation 3708361 (VCV003708361.2).

ClinVar aggregate classification (germline): Uncertain significance (1 of 4 stars; one submission).

Submission:

Labcorp Genetics (formerly Invitae), Labcorp
Classification: Uncertain significance. Last evaluated: 2024-06-22. Review status: criteria provided, single submitter. Criteria: Invitae Variant Classification Sherloc (09022015). Collection method: clinical testing. Allele origin: germline.
Comment: This sequence change replaces tryptophan, which is neutral and slightly polar, with arginine, which is basic and polar, at codon 850 of the KL protein (p.Trp850Arg). This variant is not present in population databases (gnomAD no frequency). This variant has not been reported in the literature in individuals affected with KL-related conditions. Advanced modeling of protein sequence and biophysical properties (such as structural, functional, and spatial information, amino acid conservation, physicochemical variation, residue mobility, and thermodynamic stability) has been performed at Invitae for this missense variant, however the output from this modeling did not meet the statistical confidence thresholds required to predict the impact of this variant on KL protein function. In summary, the available evidence is currently insufficient to determine the role of this variant in disease. Therefore, it has been classified as a Variant of Uncertain Significance.